The following is an entry in ClinVar:

NM_001134407.3(GRIN2A):c.4324C>G (p.Pro1442Ala)

Gene: GRIN2A (glutamate ionotropic receptor NMDA type subunit 2A; minus strand). Cytogenetic location: 16p13.2.
Variant type: single nucleotide variant.
Coding change: c.4324C>G on transcript NM_001134407.3 (MANE Select); coding-DNA position 4324, C replaced by G.
Protein change: p.Pro1442Ala; replaces proline 1442 with alanine.
Molecular consequence: missense variant. On other transcripts: 3 prime UTR variant (1).
Genome position (GRCh38, 1-based): chr16:9,763,220, G>C on the plus strand (C>G on the coding strand, the complement: GRIN2A is on the minus strand). VCF-style: chr16-9763220-G-C. GRCh37 (hg19) VCF-style: chr16-9857077-G-C.
Other names: c.4324C>G, p.Pro1442Ala (NM_000833.5); c.*135C>G (NM_001134408.2); short protein forms P1442A.
Identifiers: ClinVar variation 1342343 (VCV001342343.1), dbSNP rs59975221, ClinGen allele CA277535815.

ClinVar aggregate classification (germline): Uncertain significance (1 of 4 stars; one submission).

Conditions:
Landau-Kleffner syndrome (FESD). Also called: APHASIA, ACQUIRED, WITH EPILEPSY; EPILEPSY, FOCAL, WITH SPEECH DISORDER AND WITH OR WITHOUT MENTAL RETARDATION. Identifiers: Orphanet 1945, Orphanet 725, Orphanet 98818, MedGen C0282512, MONDO:0009509, OMIM 245570.

Allele frequency attached by ClinVar (database versions not stated): TOPMed below 0.00001; 1000 Genomes Project 0.00020; gnomAD 0.00001; gnomAD exomes below 0.00001; 1000 Genomes Project 30x 0.00016.
gnomAD v4.1: 1 of 1,613,900 alleles (0.000062%); highest among the groups gnomAD compares: East Asian, 0.0022%; no homozygotes.

Submission:

New York Genome Center
Classification: Uncertain significance for Landau-Kleffner syndrome. Last evaluated: 2021-02-24. Review status: criteria provided, single submitter. Criteria: NYGC Assertion Criteria 2020. Collection method: clinical testing. Allele origin: inherited. Observed: 1 heterozygote. Study: CSER-NYCKidSeq.
Comment: The inherited c.4324C>G, p.Pro1442Ala missense variant identified in GRIN2A has not been reported in the literature. This variant has one heterozygote in the gnomAD v3.1database, indicating this is a rare allele. Iin silico analysis predicts conflicting effect of pathogenicity [PMID:27268795] and the position is strongly conserved (GERP++ = 5.79). Based on the available evidence, the missense variant c.4324C>G, p.Pro1442Ala in the GRIN2A gene is classified as a Variant of Uncertain Significance.